The following is an entry in ClinVar:

NM_001077525.3(MTMR14):c.557GTG[1] (p.Gly187del)

Gene: MTMR14 (myotubularin related protein 14; plus strand). Cytogenetic location: 3p25.3.
Variant type: Microsatellite.
Coding change: c.557GTG[1] on transcript NM_001077525.3 (MANE Select); one copy of the 3-base unit GTG starting at c.557; the reference has two copies in a row; one copy, 3 bases deleted.
Protein change: p.Gly187del; deletes glycine 187.
Molecular consequence: inframe deletion.
Genome position (GRCh38, 1-based): chr3:9,671,053-9,671,055, GTG deleted; deleting any 3 consecutive bases within chr3:9,671,050-9,671,055 gives the same sequence; the position shown is the placement nearest the transcript's 3' end. VCF-style (leftmost placement, unchanged base first): chr3-9671049-AGTG-A. GRCh37 (hg19) VCF-style: chr3-9712733-AGTG-A.
Other names: c.557GTG[1], p.Gly187del (NM_001077526.3, NM_022485.5); short protein forms G187del.
Identifiers: ClinVar variation 1438252 (VCV001438252.6), dbSNP rs2125130596, ClinGen allele CA2577499022.

ClinVar aggregate classification (germline): Uncertain significance (1 of 4 stars; one submission).

Submission:

Labcorp Genetics (formerly Invitae), Labcorp
Classification: Uncertain significance. Last evaluated: 2021-08-18. Review status: criteria provided, single submitter. Criteria: Invitae Variant Classification Sherloc (09022015). Collection method: clinical testing. Allele origin: germline.
Comment: This variant, c.560_562del, results in the deletion of 1 amino acid(s) of the MTMR14 protein (p.Gly187del), but otherwise preserves the integrity of the reading frame. This variant is not present in population databases (ExAC no frequency). This variant has not been reported in the literature in individuals affected with MTMR14-related conditions. Experimental studies and prediction algorithms are not available or were not evaluated, and the functional significance of this variant is currently unknown. In summary, the available evidence is currently insufficient to determine the role of this variant in disease. Therefore, it has been classified as a Variant of Uncertain Significance.